The following is an entry in ClinVar:

NM_000111.3(SLC26A3):c.254T>C (p.Ile85Thr)

Gene: SLC26A3 (solute carrier family 26 member 3; minus strand). Cytogenetic location: 7q22.3.
Variant type: single nucleotide variant.
Coding change: c.254T>C on transcript NM_000111.3 (MANE Select); coding-DNA position 254, T replaced by C.
Protein change: p.Ile85Thr; replaces isoleucine 85 with threonine.
Molecular consequence: missense variant.
Genome position (GRCh38, 1-based): chr7:107,793,759, A>G on the plus strand (T>C on the coding strand, the complement: SLC26A3 is on the minus strand). VCF-style: chr7-107793759-A-G. GRCh37 (hg19) VCF-style: chr7-107434204-A-G.
Other names: short protein forms I85T.
Identifiers: ClinVar variation 2697748 (VCV002697748.3), dbSNP rs1383085147, ClinGen allele CA368854084.

ClinVar aggregate classification (germline): Uncertain significance (1 of 4 stars; one submission).

Submission:

Labcorp Genetics (formerly Invitae), Labcorp
Classification: Uncertain significance. Last evaluated: 2025-07-31. Review status: criteria provided, single submitter. Criteria: Invitae Variant Classification Sherloc (09022015). Collection method: clinical testing. Allele origin: germline.
Comment: This sequence change replaces isoleucine, which is neutral and non-polar, with threonine, which is neutral and polar, at codon 85 of the SLC26A3 protein (p.Ile85Thr). This variant is not present in population databases (gnomAD no frequency). This variant has not been reported in the literature in individuals affected with SLC26A3-related conditions. ClinVar contains an entry for this variant (Variation ID: 2697748). Invitae Evidence Modeling of protein sequence and biophysical properties (such as structural, functional, and spatial information, amino acid conservation, physicochemical variation, residue mobility, and thermodynamic stability) indicates that this missense variant is not expected to disrupt SLC26A3 protein function with a negative predictive value of 80%. In summary, the available evidence is currently insufficient to determine the role of this variant in disease. Therefore, it has been classified as a Variant of Uncertain Significance.